The following is an entry in ClinVar:

ClinVar aggregate classification (germline): Uncertain significance (1 of 4 stars; one submission).

Conditions:
Cardiovascular phenotype. Identifiers: MedGen CN230736.

Submission:

Ambry Genetics
Classification: Uncertain significance for Cardiovascular phenotype. Last evaluated: 2025-09-27. Review status: criteria provided, single submitter. Criteria: Ambry Variant Classification Scheme 2023. Collection method: clinical testing. Allele origin: germline.
Comment: The p.L165I variant (also known as c.493C>A), located in coding exon 3 of the CBL gene, results from a C to A substitution at nucleotide position 493. The leucine at codon 165 is replaced by isoleucine, an amino acid with highly similar properties. This amino acid position is conserved. In addition, the in silico prediction for this alteration is inconclusive. Based on the available evidence, the clinical significance of this variant remains unclear.

NM_005188.4(CBL):c.493C>A (p.Leu165Ile)

Gene: CBL (Cbl proto-oncogene; plus strand). Cytogenetic location: 11q23.3.
Variant type: single nucleotide variant.
Coding change: c.493C>A on transcript NM_005188.4 (MANE Select); coding-DNA position 493, C replaced by A.
Protein change: p.Leu165Ile; replaces leucine 165 with isoleucine.
Molecular consequence: missense variant.
Genome position (GRCh38, 1-based): chr11:119,271,784, C>A. VCF-style: chr11-119271784-C-A. GRCh37 (hg19) VCF-style: chr11-119142494-C-A.
Other names: short protein forms L165I.
Identifiers: ClinVar variation 4613822 (VCV004613822.1).